The following is an entry in ClinVar:

NM_213720.3(CHCHD10):c.224G>A (p.Gly75Glu)

Gene: CHCHD10 (coiled-coil-helix-coiled-coil-helix domain containing 10; minus strand). Cytogenetic location: 22q11.23.
Variant type: single nucleotide variant.
Coding change: c.224G>A on transcript NM_213720.3 (MANE Select); coding-DNA position 224, G replaced by A.
Protein change: p.Gly75Glu; replaces glycine 75 with glutamic acid.
Molecular consequence: missense variant. On other transcripts: non-coding transcript variant (1).
Genome position (GRCh38, 1-based): chr22:23,767,411, C>T on the plus strand (G>A on the coding strand, the complement: CHCHD10 is on the minus strand). VCF-style: chr22-23767411-C-T. GRCh37 (hg19) VCF-style: chr22-24109598-C-T.
Other names: c.224G>A (NM_213720.1); c.224G>A, p.Gly75Glu (NM_001301339.2); short protein forms G75E.
Identifiers: ClinVar variation 640736 (VCV000640736.9), dbSNP rs767069606, ClinGen allele CA10145291.

ClinVar aggregate classification (germline): Conflicting classifications of pathogenicity. Review status: criteria provided, conflicting classifications (1 of 4 stars). 2 submissions from 2 submitters: Uncertain significance (1); Likely benign (1). Last evaluated 2025-11-11.

Conditions:
Inborn genetic diseases. Identifiers: MedGen C0950123, MeSH D030342.
Lower motor neuron syndrome with late-adult onset (SMAJ). Also called: Spinal muscular atrophy, Jokela type; Late-Onset Spinal Motor Neuronopathy (SMAJ). Identifiers: Orphanet 276435, MedGen C3554398, MONDO:0014025, OMIM 615048.
Frontotemporal dementia and/or amyotrophic lateral sclerosis 2. Also called: FTDALS2. Identifiers: Orphanet 275872, MedGen C4014648, MONDO:0014395, OMIM 615911.
Autosomal dominant mitochondrial myopathy with exercise intolerance (IMMD). Also called: Myopathy, isolated mitochondrial, autosomal dominant. Identifiers: Orphanet 457050, MedGen C4015513, MONDO:0014532, OMIM 616209.

Allele frequency attached by ClinVar (database versions not stated): TOPMed 0.00005.
gnomAD v4.1: 10 of 1,608,060 alleles (0.00062%); highest among the groups gnomAD compares: African/African-American, 0.0094%; no homozygotes.

Submissions (2):

Ambry Genetics
Classification: Likely benign for Inborn genetic diseases. Last evaluated: 2025-11-11. Review status: criteria provided, single submitter. Criteria: Ambry Variant Classification Scheme 2023. Collection method: clinical testing. Allele origin: germline.

Labcorp Genetics (formerly Invitae), Labcorp
Classification: Uncertain significance for Lower motor neuron syndrome with late-adult onset; Frontotemporal dementia and/or amyotrophic lateral sclerosis 2; Autosomal dominant mitochondrial myopathy with exercise intolerance. Last evaluated: 2025-04-30. Review status: criteria provided, single submitter. Criteria: Invitae Variant Classification Sherloc (09022015). Collection method: clinical testing. Allele origin: germline.
Comment: This sequence change replaces glycine, which is neutral and non-polar, with glutamic acid, which is acidic and polar, at codon 75 of the CHCHD10 protein (p.Gly75Glu). This variant is present in population databases (rs767069606, gnomAD 0.007%). This variant has not been reported in the literature in individuals affected with CHCHD10-related conditions. ClinVar contains an entry for this variant (Variation ID: 640736). An algorithm developed to predict the effect of missense changes on protein structure and function (PolyPhen-2) suggests that this variant is likely to be disruptive. In summary, the available evidence is currently insufficient to determine the role of this variant in disease. Therefore, it has been classified as a Variant of Uncertain Significance.